The following is an entry in ClinVar:

NM_001205293.3(CACNA1E):c.1412A>G (p.His471Arg)

Gene: CACNA1E (calcium voltage-gated channel subunit alpha1 E; plus strand). Cytogenetic location: 1q25.3.
Variant type: single nucleotide variant.
Coding change: c.1412A>G on transcript NM_001205293.3 (MANE Select); coding-DNA position 1412, A replaced by G.
Protein change: p.His471Arg; replaces histidine 471 with arginine.
Molecular consequence: missense variant.
Genome position (GRCh38, 1-based): chr1:181,717,189, A>G. VCF-style: chr1-181717189-A-G. GRCh37 (hg19) VCF-style: chr1-181686325-A-G.
Other names: c.1412A>G, p.His471Arg (NM_000721.4, NM_001205294.2); short protein forms H471R.
Identifiers: ClinVar variation 4535210 (VCV004535210.6).
Genomic context (GRCh38, chr1:181,717,189, plus strand): 5'-AGGTAGACGGGGTCTCTTATTTCCGGCACAAGGAAAGGCTTCTGCGCATCTCCATTCGCC[A>G]CATGGTTAAATCCCAGGTGTTTTACTGGATTGTGCTGAGCCTTGTGGCACTCAACACTGC-3'
Protein context (NP_001192222.1, residues 461-481): KERLLRISIR[His471Arg]MVKSQVFYWI

ClinVar aggregate classification (germline): Uncertain significance (1 of 4 stars; one submission).

gnomAD v4.1: 2 of 1,614,034 alleles (0.00012%); highest among the groups gnomAD compares: Non-Finnish European, 0.00017%; no homozygotes.

Submission:

CeGaT Center for Human Genetics Tuebingen
Classification: Uncertain significance. Last evaluated: 2025-11-01. Review status: criteria provided, single submitter. Criteria: CeGaT Center For Human Genetics Tuebingen Variant Classification Criteria Version 2. Collection method: clinical testing. Allele origin: germline. Affected: yes. Observed: 1 variant allele.
Comment: CACNA1E: PM2